The following is an entry in ClinVar:

NM_198525.3(KIF7):c.466C>G (p.Leu156Val)

Gene: KIF7 (kinesin family member 7; minus strand). Cytogenetic location: 15q26.1.
Variant type: single nucleotide variant.
Coding change: c.466C>G on transcript NM_198525.3 (MANE Select); coding-DNA position 466, C replaced by G.
Protein change: p.Leu156Val; replaces leucine 156 with valine.
Molecular consequence: missense variant.
Genome position (GRCh38, 1-based): chr15:89,649,804, G>C on the plus strand (C>G on the coding strand, the complement: KIF7 is on the minus strand). VCF-style: chr15-89649804-G-C. GRCh37 (hg19) VCF-style: chr15-90193035-G-C.
Other names: c.466C>G (NM_198525.2); short protein forms L156V.
Identifiers: ClinVar variation 1504856 (VCV001504856.9), dbSNP rs1365593121, ClinGen allele CA393776922.

ClinVar aggregate classification (germline): Uncertain significance. Review status: criteria provided, multiple submitters, no conflicts (2 of 4 stars). 2 submissions from 2 submitters: Uncertain significance (2). Last evaluated 2024-06-11.

Conditions:
Acrocallosal syndrome (ACLS). Also called: HALLUX DUPLICATION, POSTAXIAL POLYDACTYLY, AND ABSENCE OF CORPUS CALLOSUM; Schinzel syndrome 1; Absence of corpus callosum with unusual facial appearance, mental deficiency, duplication of the halluces and polydactyly. Identifiers: Orphanet 36, MedGen C0796147, MONDO:0008708, OMIM 200990.

Allele frequency attached by ClinVar (database versions not stated): gnomAD exomes 0.00002.
gnomAD v4.1: 3 of 1,551,810 alleles (0.00019%); highest among the groups gnomAD compares: Admixed American, 0.0059%; no homozygotes.

Submissions (2):

GeneDx
Classification: Uncertain significance. Last evaluated: 2024-06-11. Review status: criteria provided, single submitter. Criteria: GeneDx Variant Classification Process June 2021. Collection method: clinical testing. Allele origin: germline. Affected: yes.
Comment: Not observed at significant frequency in large population cohorts (gnomAD); In silico analysis supports that this missense variant has a deleterious effect on protein structure/function; Has not been previously published as pathogenic or benign to our knowledge

Labcorp Genetics (formerly Invitae), Labcorp
Classification: Uncertain significance for Acrocallosal syndrome. Last evaluated: 2021-05-09. Review status: criteria provided, single submitter. Criteria: Invitae Variant Classification Sherloc (09022015). Collection method: clinical testing. Allele origin: germline.
Comment: In summary, the available evidence is currently insufficient to determine the role of this variant in disease. Therefore, it has been classified as a Variant of Uncertain Significance. Algorithms developed to predict the effect of missense changes on protein structure and function are either unavailable or do not agree on the potential impact of this missense change (SIFT: "Deleterious"; PolyPhen-2: "Probably Damaging"; Align-GVGD: "Class C0"). This variant has not been reported in the literature in individuals with KIF7-related conditions. This variant is not present in population databases (ExAC no frequency). This sequence change replaces leucine with valine at codon 156 of the KIF7 protein (p.Leu156Val). The leucine residue is weakly conserved and there is a small physicochemical difference between leucine and valine.